The following is an entry in ClinVar:

ClinVar aggregate classification (germline): Conflicting classifications of pathogenicity. Review status: criteria provided, conflicting classifications (1 of 4 stars). 3 submissions from 3 submitters: Uncertain significance (2); Likely benign (1). Last evaluated 2025-10-27.

Conditions:
Inborn genetic diseases. Identifiers: MedGen C0950123, MeSH D030342.
Gillespie syndrome (GLSP). Also called: Aniridia-cerebellar ataxia-intellectual disability syndrome; Aniridia, cerebellar ataxia, and mental deficiency. Identifiers: Orphanet 1065, MedGen C0431401, MONDO:0008795, OMIM 206700.

Allele frequency attached by ClinVar (database versions not stated): gnomAD exomes below 0.00001 and 0.00001; gnomAD 0.00003; TOPMed 0.00006.
gnomAD v4.1: 10 of 1,613,802 alleles (0.00062%); highest among the groups gnomAD compares: Admixed American, 0.013%; no homozygotes.

Submissions (3):

Labcorp Genetics (formerly Invitae), Labcorp
Classification: Likely benign. Last evaluated: 2025-10-27. Review status: criteria provided, single submitter. Criteria: Invitae Variant Classification Sherloc (09022015). Collection method: clinical testing. Allele origin: germline.

Ambry Genetics
Classification: Uncertain significance for Inborn genetic diseases. Last evaluated: 2023-11-13. Review status: criteria provided, single submitter. Criteria: Ambry Variant Classification Scheme 2023. Collection method: clinical testing. Allele origin: germline.

Baylor Genetics
Classification: Uncertain significance for Gillespie syndrome. Last evaluated: 2019-01-11. Review status: criteria provided, single submitter. Criteria: ACMG Guidelines, 2015. Collection method: clinical testing. Allele origin: maternal. Affected: yes.
Comment: This variant was determined to be of uncertain significance according to ACMG Guidelines, 2015 [PMID:25741868].

NM_001378452.1(ITPR1):c.5270G>C (p.Arg1757Thr)

Gene: ITPR1 (inositol 1,4,5-trisphosphate receptor type 1; plus strand). Cytogenetic location: 3p26.1.
Variant type: single nucleotide variant.
Coding change: c.5270G>C on transcript NM_001378452.1 (MANE Select); coding-DNA position 5270, G replaced by C.
Protein change: p.Arg1757Thr; replaces arginine 1757 with threonine.
Molecular consequence: missense variant.
Genome position (GRCh38, 1-based): chr3:4,733,137, G>C. VCF-style: chr3-4733137-G-C. GRCh37 (hg19) VCF-style: chr3-4774821-G-C.
Other names: c.5126G>C, p.Arg1709Thr (NM_001099952.4); c.5225G>C, p.Arg1742Thr (NM_001168272.2); c.5081G>C, p.Arg1694Thr (NM_002222.7); short protein forms R1694T, R1709T, R1757T, R1742T.
Identifiers: ClinVar variation 1028007 (VCV001028007.7), dbSNP rs949938763, ClinGen allele CA68828114.